The following is an entry in ClinVar:

ClinVar aggregate classification (germline): Conflicting classifications of pathogenicity. Review status: criteria provided, conflicting classifications (1 of 4 stars). 2 submissions from 2 submitters: Likely pathogenic (1); Uncertain significance (1). Last evaluated 2026-03-12.

Conditions:
Autosomal recessive limb-girdle muscular dystrophy type 2J (LGMDR10). Also called: Limb-girdle muscular dystrophy, type 2J; MUSCULAR DYSTROPHY, LIMB-GIRDLE, AUTOSOMAL RECESSIVE 10. Identifiers: Orphanet 140922, MedGen C1837342, MONDO:0012127, OMIM 608807.
Dilated cardiomyopathy 1G (CMD1G). Identifiers: Orphanet 154, MedGen C1858763, MONDO:0011400, OMIM 604145.

Allele frequency attached by ClinVar (database versions not stated): TOPMed below 0.00001.

Submissions (2):

GeneDx
Classification: Uncertain significance. Last evaluated: 2026-03-12. Review status: criteria provided, single submitter. Criteria: GeneDx Variant Classification Process June 2021. Collection method: clinical testing. Allele origin: germline.
Comment: Not observed at significant frequency in large population cohorts (gnomAD); Canonical splice site variant in a gene or region of a gene for which loss of function is not a well-established mechanism of disease; Has not been previously published as pathogenic or benign to our knowledge

Labcorp Genetics (formerly Invitae), Labcorp
Classification: Likely pathogenic for Dilated cardiomyopathy 1G; Autosomal recessive limb-girdle muscular dystrophy type 2J. Last evaluated: 2024-09-12. Review status: criteria provided, single submitter. Criteria: Invitae Variant Classification Sherloc (09022015). Collection method: clinical testing. Allele origin: germline.
Comment: This sequence change affects an acceptor splice site in intron 5 of the TTN gene. It is expected to disrupt RNA splicing and likely results in a truncated or disrupted TTN protein. This variant is not present in population databases (gnomAD no frequency). This variant has not been reported in the literature in individuals affected with TTN-related conditions. ClinVar contains an entry for this variant (Variation ID: 858639). Algorithms developed to predict the effect of sequence changes on RNA splicing suggest that this variant may disrupt the consensus splice site. This variant is located in the Z band of TTN (PMID: 25589632). Truncating variants in this region have been reported in individuals affected with autosomal recessive centronuclear myopathy (PMID: 33449170, internal data). Truncating variants in this region have also been identified in individuals affected with autosomal dominant dilated cardiomyopathy and/or cardio-related conditions (PMID: 27869827, 32964742, internal data). In summary, the currently available evidence indicates that the variant is pathogenic, but additional data are needed to prove that conclusively. Therefore, this variant has been classified as Likely Pathogenic.

Literature cited by the submitters: PubMed 25589632 (cited by Labcorp Genetics (formerly Invitae), Labcorp); PubMed 33449170 (cited by Labcorp Genetics (formerly Invitae), Labcorp); PubMed 27869827 (cited by Labcorp Genetics (formerly Invitae), Labcorp); PubMed 32964742 (cited by Labcorp Genetics (formerly Invitae), Labcorp).

NM_001267550.2(TTN):c.670-1G>A

Gene: TTN (titin; minus strand). Cytogenetic location: 2q31.2.
Variant type: single nucleotide variant.
Coding change: c.670-1G>A on transcript NM_001267550.2 (MANE Select); the canonical splice acceptor site of the intron before coding-DNA position 670, G replaced by A.
Molecular consequence: splice acceptor variant.
Genome position (GRCh38, 1-based): chr2:178,799,732, C>T on the plus strand (G>A on the coding strand, the complement: TTN is on the minus strand). VCF-style: chr2-178799732-C-T. GRCh37 (hg19) VCF-style: chr2-179664459-C-T.
Other names: c.670-1G>A (NM_001256850.1, NM_133379.5, NM_003319.4 and 3 more transcripts).
Identifiers: ClinVar variation 858639 (VCV000858639.14), dbSNP rs1054895701, ClinGen allele CA349524492.